The following is an entry in ClinVar:

ClinVar aggregate classification (germline): Uncertain significance (1 of 4 stars; one submission).

Conditions:
KDM6B-related neurodevelopmental disorder.

gnomAD v4.1: 2 of 1,575,704 alleles (0.00013%); highest among the groups gnomAD compares: Non-Finnish European, 0.000086%; no homozygotes.

Submission:

Illumina Laboratory Services, Illumina
Classification: Uncertain significance for KDM6B-related neurodevelopmental disorder. Last evaluated: 2020-10-30. Review status: criteria provided, single submitter. Criteria: ICSLVariantClassificationCriteria RUGD 01 April 2020. Collection method: clinical testing. Allele origin: unknown.
Comment: The KDM6B c.4868G>A (p.Arg1632His) variant is a missense variant. A literature search was performed for the gene, cDNA change, and amino acid change. No publications were found based on this search. This variant is not found in the Genome Aggregation Database in a region of good sequence coverage, so the variant is presumed to be rare. Based on the limited evidence, the p.Arg1632His variant is classified as a variant of uncertain significance for KDM6B-related neurodevelopmental disorder.

NM_001348716.2(KDM6B):c.4868G>A (p.Arg1623His)

Gene: KDM6B (lysine demethylase 6B; plus strand). Cytogenetic location: 17p13.1.
Variant type: single nucleotide variant.
Coding change: c.4868G>A on transcript NM_001348716.2 (MANE Select); coding-DNA position 4868, G replaced by A.
Protein change: p.Arg1623His; replaces arginine 1623 with histidine.
Molecular consequence: missense variant.
Genome position (GRCh38, 1-based): chr17:7,853,340, G>A. VCF-style: chr17-7853340-G-A. GRCh37 (hg19) VCF-style: chr17-7756658-G-A.
Other names: c.4868G>A, p.Arg1623His (NM_001080424.2); short protein forms R1623H.
Identifiers: ClinVar variation 1199205 (VCV001199205.4), dbSNP rs1378460812, ClinGen allele CA397928786.
Genomic context (GRCh38, chr17:7,853,340, plus strand): 5'-AGGGCTGTGCCCGGCGCCGCAGCGCAGGCCTGCAGGGCGTGGTGGTGCTGGAGCAGTACC[G>A]CACTGAGGAGCTGGCTCAGGCCTACGACGCCTTCACGCTGGTGAGGGCCCGGCGGGCGCG-3'
Protein context (NP_001335645.1, residues 1613-1633): LQGVVVLEQY[Arg1623His]TEELAQAYDA